The following is an entry in ClinVar:

NM_000531.6(OTC):c.529C>T (p.Leu177Phe)

Gene: OTC (ornithine transcarbamylase; plus strand). Cytogenetic location: Xp11.4.
Variant type: single nucleotide variant.
Coding change: c.529C>T on transcript NM_000531.6 (MANE Select); coding-DNA position 529, C replaced by T.
Protein change: p.Leu177Phe; replaces leucine 177 with phenylalanine.
Molecular consequence: missense variant.
Genome position (GRCh38, 1-based): chrX:38,401,417, C>T. VCF-style: chrX-38401417-C-T. GRCh37 (hg19) VCF-style: chrX-38260670-C-T.
Other names: c.529C>T, p.Leu177Phe (NM_001407092.1); short protein forms L177F.
Identifiers: ClinVar variation 2199888 (VCV002199888.3), dbSNP rs148961194, ClinGen allele CA10385881.

ClinVar aggregate classification (germline): Uncertain significance. Review status: criteria provided, multiple submitters, no conflicts (2 of 4 stars). 2 submissions from 2 submitters: Uncertain significance (2). Last evaluated 2025-09-30.

Conditions:
Ornithine carbamoyltransferase deficiency (OTCD). Also called: OTC DEFICIENCY; ORNITHINE TRANSCARBAMYLASE DEFICIENCY; ORNITHINE TRANSCARBAMYLASE DEFICIENCY, HYPERAMMONEMIA DUE TO; Ornithine Carbamoyltransferase Deficiency Disease. Identifiers: Orphanet 664, MedGen C0268542, MONDO:0010703, OMIM 311250.

Allele frequency attached by ClinVar (database versions not stated): ExAC 0.00001; gnomAD exomes 0.00001; TOPMed 0.00006; ESP Exome Variant Server 0.00009; gnomAD 0.00012; 1000 Genomes Project 0.00026; 1000 Genomes Project 30x 0.00042.
gnomAD v4.1: 26 of 1,204,404 alleles (0.0022%); highest among the groups gnomAD compares: African/African-American, 0.031%; no homozygotes.

Submissions (2):

Color Diagnostics, LLC DBA Color Health
Classification: Uncertain significance for Ornithine carbamoyltransferase deficiency. Last evaluated: 2025-09-30. Review status: criteria provided, single submitter. Criteria: ACMG Guidelines, 2015. Collection method: clinical testing. Allele origin: germline.
Comment: This missense variant replaces leucine with phenylalanine at codon 177 of the OTC protein. Computational prediction suggests that this variant may have deleterious impact on protein structure and function. To our knowledge, functional studies have not been reported for this variant. This variant has not been reported in individuals affected with OTC-related disorders in the literature. This variant has been identified in 26/1204404 chromosomes in the general population by the Genome Aggregation Database (gnomAD). The available evidence is insufficient to determine the role of this variant in disease conclusively. Therefore, this variant is classified as a Variant of Uncertain Significance.

Labcorp Genetics (formerly Invitae), Labcorp
Classification: Uncertain significance for Ornithine carbamoyltransferase deficiency. Last evaluated: 2024-10-24. Review status: criteria provided, single submitter. Criteria: Invitae Variant Classification Sherloc (09022015). Collection method: clinical testing. Allele origin: germline.
Comment: This sequence change replaces leucine, which is neutral and non-polar, with phenylalanine, which is neutral and non-polar, at codon 177 of the OTC protein (p.Leu177Phe). This variant is present in population databases (rs148961194, gnomAD 0.02%), including at least one homozygous and/or hemizygous individual. This variant has not been reported in the literature in individuals affected with OTC-related conditions. ClinVar contains an entry for this variant (Variation ID: 2199888). Invitae Evidence Modeling of protein sequence and biophysical properties (such as structural, functional, and spatial information, amino acid conservation, physicochemical variation, residue mobility, and thermodynamic stability) indicates that this missense variant is expected to disrupt OTC protein function with a positive predictive value of 95%. Experimental studies are conflicting or provide insufficient evidence to determine the effect of this variant on OTC function (PMID: 37146589). In summary, the available evidence is currently insufficient to determine the role of this variant in disease. Therefore, it has been classified as a Variant of Uncertain Significance.

Literature cited by the submitters: PubMed 37146589 (cited by Labcorp Genetics (formerly Invitae), Labcorp).